The following is an entry in ClinVar:

NM_004715.5(CTDP1):c.380G>A (p.Cys127Tyr)

Gene: CTDP1 (CTD phosphatase subunit 1; plus strand). Cytogenetic location: 18q23.
Variant type: single nucleotide variant.
Coding change: c.380G>A on transcript NM_004715.5 (MANE Select); coding-DNA position 380, G replaced by A.
Protein change: p.Cys127Tyr; replaces cysteine 127 with tyrosine.
Molecular consequence: missense variant.
Genome position (GRCh38, 1-based): chr18:79,695,290, G>A. VCF-style: chr18-79695290-G-A. GRCh37 (hg19) VCF-style: chr18-77455290-G-A.
Other names: c.380G>A, p.Cys127Tyr (NM_048368.4, NM_001318511.2); c.23G>A, p.Cys8Tyr (NM_001202504.1); short protein forms C127Y, C8Y.
Identifiers: ClinVar variation 2013229 (VCV002013229.4), dbSNP rs953525649, ClinGen allele CA303782105.

ClinVar aggregate classification (germline): Uncertain significance (1 of 4 stars; one submission).

Submission:

Labcorp Genetics (formerly Invitae), Labcorp
Classification: Uncertain significance. Last evaluated: 2024-02-24. Review status: criteria provided, single submitter. Criteria: Invitae Variant Classification Sherloc (09022015). Collection method: clinical testing. Allele origin: germline.
Comment: This sequence change replaces cysteine, which is neutral and slightly polar, with tyrosine, which is neutral and polar, at codon 127 of the CTDP1 protein (p.Cys127Tyr). This variant is not present in population databases (gnomAD no frequency). This variant has not been reported in the literature in individuals affected with CTDP1-related conditions. ClinVar contains an entry for this variant (Variation ID: 2013229). An algorithm developed to predict the effect of missense changes on protein structure and function (PolyPhen-2) suggests that this variant is likely to be disruptive. In summary, the available evidence is currently insufficient to determine the role of this variant in disease. Therefore, it has been classified as a Variant of Uncertain Significance.